The following is an entry in ClinVar:

NM_000535.7(PMS2):c.1164T>A (p.His388Gln)

Gene: PMS2 (PMS1 homolog 2, mismatch repair system component; minus strand). Cytogenetic location: 7p22.1.
Variant type: single nucleotide variant.
Coding change: c.1164T>A on transcript NM_000535.7 (MANE Select); coding-DNA position 1164, T replaced by A.
Protein change: p.His388Gln; replaces histidine 388 with glutamine.
Molecular consequence: missense variant. On other transcripts: non-coding transcript variant (1).
Genome position (GRCh38, 1-based): chr7:5,987,601, A>T on the plus strand (T>A on the coding strand, the complement: PMS2 is on the minus strand). VCF-style: chr7-5987601-A-T. GRCh37 (hg19) VCF-style: chr7-6027232-A-T.
Other names: c.759T>A, p.His253Gln (NM_001322003.2, NM_001322004.2, NM_001322005.2 and 1 more transcripts); c.1008T>A, p.His336Gln (NM_001322006.2); c.846T>A, p.His282Gln (NM_001322007.2, NM_001322008.2); c.603T>A, p.His201Gln (NM_001322010.2); c.231T>A, p.His77Gln (NM_001322011.2, NM_001322012.2); c.591T>A, p.His197Gln (NM_001322013.2); c.1164T>A, p.His388Gln (NM_001322014.2); c.855T>A, p.His285Gln (NM_001322015.2); short protein forms H388Q, H197Q, H282Q, H285Q, H336Q, H201Q, H77Q, H253Q.
Identifiers: ClinVar variation 219951 (VCV000219951.26), dbSNP rs768480216, ClinGen allele CA042355.

ClinVar aggregate classification (germline): Uncertain significance. Review status: criteria provided, multiple submitters, no conflicts (2 of 4 stars). 6 submissions from 6 submitters: Uncertain significance (6). Last evaluated 2025-12-19.

Conditions:
Hereditary nonpolyposis colorectal neoplasms. Identifiers: MedGen C0009405, MeSH D003123.
Hereditary cancer-predisposing syndrome. Also called: Hereditary neoplastic syndrome; Tumor predisposition; Hereditary Cancer Syndrome; Neoplastic Syndromes, Hereditary. Identifiers: Orphanet 140162, MedGen C0027672, MeSH D009386, MONDO:0015356.
Breast and/or ovarian cancer. Identifiers: MedGen CN221562.
Lynch syndrome. Identifiers: Orphanet 144, MedGen C4552100, MONDO:0005835. Disease mechanism: loss of function.

Allele frequency attached by ClinVar (database versions not stated): gnomAD exomes below 0.00001; ExAC 0.00001; gnomAD 0.00001; TOPMed 0.00002.
gnomAD v4.1: 3 of 1,602,862 alleles (0.00019%); highest among the groups gnomAD compares: African/African-American, 0.004%; no homozygotes.

Submissions (6):

Labcorp Genetics (formerly Invitae), Labcorp
Classification: Uncertain significance for Hereditary nonpolyposis colorectal neoplasms. Last evaluated: 2025-12-19. Review status: criteria provided, single submitter. Criteria: Invitae Variant Classification Sherloc (09022015). Collection method: clinical testing. Allele origin: germline.
Comment: This sequence change replaces histidine, which is basic and polar, with glutamine, which is neutral and polar, at codon 388 of the PMS2 protein (p.His388Gln). This variant is present in population databases (rs768480216, gnomAD 0.007%). This missense change has been observed in individual(s) with thyroid cancer (PMID: 29684080). ClinVar contains an entry for this variant (Variation ID: 219951). Invitae Evidence Modeling incorporating data from in vitro experimental studies (internal data) indicates that this missense variant is not expected to disrupt PMS2 function with a negative predictive value of 95%. In summary, the available evidence is currently insufficient to determine the role of this variant in disease. Therefore, it has been classified as a Variant of Uncertain Significance.

Ambry Genetics
Classification: Uncertain significance for Hereditary cancer-predisposing syndrome. Last evaluated: 2025-01-20. Review status: criteria provided, single submitter. Criteria: Ambry Variant Classification Scheme 2023. Collection method: clinical testing. Allele origin: germline.
Comment: The p.H388Q variant (also known as c.1164T>A), located in coding exon 11 of the PMS2 gene, results from a T to A substitution at nucleotide position 1164. The histidine at codon 388 is replaced by glutamine, an amino acid with highly similar properties. This amino acid position is not well conserved in available vertebrate species. In addition, this alteration is predicted to be tolerated by in silico analysis. Based on the available evidence, the clinical significance of this variant remains unclear.

All of Us Research Program, National Institutes of Health
Classification: Uncertain significance for Lynch syndrome. Last evaluated: 2024-08-13. Review status: criteria provided, single submitter. Criteria: ACMG Guidelines, 2015. Collection method: clinical testing. Allele origin: germline. Inheritance: Autosomal dominant inheritance. Observed: 5 variant alleles, 5 heterozygotes.
Comment: This missense variant replaces histidine with glutamine at codon 388 of the PMS2 protein. Computational prediction suggests that this variant may not impact protein structure and function (internally defined REVEL score threshold <= 0.5, PMID: 27666373). Splice site prediction tools suggest that this variant may not impact RNA splicing. To our knowledge, functional studies have not been reported for this variant. This variant has been reported in an individual affected with thyroid cancer (PMID: 29684080). This variant has been identified in 1/246446 chromosomes in the general population by the Genome Aggregation Database (gnomAD). The available evidence is insufficient to determine the role of this variant in disease conclusively. Therefore, this variant is classified as a Variant of Uncertain Significance.

This study involves interpretation of variants in research participants for the purpose of population health screening. Participant phenotype was not available at the time of variant classification. Additional details can be found in publication PMID: 35346344, PMCID: PMC8962531

Color Diagnostics, LLC DBA Color Health
Classification: Uncertain significance for Hereditary cancer-predisposing syndrome. Last evaluated: 2024-07-24. Review status: criteria provided, single submitter. Criteria: ACMG Guidelines, 2015. Collection method: clinical testing. Allele origin: germline.
Comment: This missense variant replaces histidine with glutamine at codon 388 of the PMS2 protein. Computational prediction suggests that this variant may not impact protein structure and function (internally defined REVEL score threshold <= 0.5, PMID: 27666373). To our knowledge, functional studies have not been reported for this variant. This variant has been reported in an individual affected with thyroid cancer (PMID: 29684080). This variant has been identified in 1/246446 chromosomes in the general population by the Genome Aggregation Database (gnomAD). The available evidence is insufficient to determine the role of this variant in disease conclusively. Therefore, this variant is classified as a Variant of Uncertain Significance.

GeneDx
Classification: Uncertain significance. Last evaluated: 2023-03-13. Review status: criteria provided, single submitter. Criteria: GeneDx Variant Classification Process June 2021. Collection method: clinical testing. Allele origin: germline. Affected: yes.
Comment: In silico analysis supports that this missense variant does not alter protein structure/function; Has not been previously published as pathogenic or benign to our knowledge

CHEO Genetics Diagnostic Laboratory, Children's Hospital of Eastern Ontario
Classification: Uncertain significance for Breast and/or ovarian cancer. Last evaluated: 2021-05-06. Review status: criteria provided, single submitter. Criteria: ACMG Guidelines, 2015. Collection method: clinical testing. Allele origin: germline.

Literature cited by the submitters: PubMed 29684080 (cited by 4 submitters).